The following is an entry in ClinVar:

NM_017777.4(MKS1):c.262-42del

Gene: MKS1 (MKS transition zone complex subunit 1; minus strand). Cytogenetic location: 17q22.
Variant type: Deletion.
Coding change: c.262-42del on transcript NM_017777.4 (MANE Select); 42 bases into the intron before coding-DNA position 262, one base deleted (T; older notation c.262-42delT).
Molecular consequence: intron variant.
Genome position (GRCh38, 1-based): chr17:58,216,285, A deleted on the plus strand (T on the coding strand, the reverse complement: MKS1 is on the minus strand); the first of 2 consecutive A bases (chr17:58,216,285-58,216,286); deleting either gives the same sequence. VCF-style (leftmost placement, unchanged base first): chr17-58216284-TA-T. GRCh37 (hg19) VCF-style: chr17-56293645-TA-T.
Other names: c.-250-42del (NM_001321268.2); c.262-42del (NM_001330397.2, NM_001321269.2, NM_001411113.1).
Identifiers: ClinVar variation 3045330 (VCV003045330.2), dbSNP rs765774015, ClinGen allele CA8669582.
Genomic context (GRCh38, chr17:58,216,284, plus strand): 5'-TGGTACAGATCTACTTCAAACTGAGGTTACCATAAGGAAACAGAGATGTGTACATCATTA[TA>T]ATACATCAAACTTTTGCTTCTGTAACTGTTTAATCAAATCAGTTCTACAGAACTGATGCT-3'

ClinVar aggregate classification (germline): Likely benign (0 of 4 stars; one submission).

Conditions:
MKS1-related disorder. Also called: MKS1-related disorders; MKS1-related condition. Identifiers: MedGen CN239382.

Submission:

PreventionGenetics, part of Exact Sciences
Classification: Likely benign for MKS1-related condition. Last evaluated: 2021-07-23. Review status: no assertion criteria provided. Collection method: clinical testing. Allele origin: germline.
Comment: This variant is classified as likely benign based on ACMG/AMP sequence variant interpretation guidelines (Richards et al. 2015 PMID: 25741868, with internal and published modifications).